The following is an entry in ClinVar:

ClinVar aggregate classification (germline): Uncertain significance. Review status: criteria provided, multiple submitters, no conflicts (2 of 4 stars). 2 submissions from 2 submitters: Uncertain significance (2). Last evaluated 2021-05-13.

Conditions:
Atrioventricular septal defect 4 (AVSD4). Identifiers: MedGen C3280781, MONDO:0013747, OMIM 614430.

Allele frequency attached by ClinVar (database versions not stated): gnomAD exomes below 0.00001; TOPMed below 0.00001; gnomAD 0.00001.
gnomAD v4.1: 2 of 1,614,150 alleles (0.00012%); highest among the groups gnomAD compares: Non-Finnish European, 0.00017%; no homozygotes.

Submissions (2):

Labcorp Genetics (formerly Invitae), Labcorp
Classification: Uncertain significance for Atrioventricular septal defect 4. Last evaluated: 2021-05-13. Review status: criteria provided, single submitter. Criteria: Invitae Variant Classification Sherloc (09022015). Collection method: clinical testing. Allele origin: germline.
Comment: This variant has not been reported in the literature in individuals with GATA4-related conditions. This variant is not present in population databases (ExAC no frequency). This sequence change replaces phenylalanine with serine at codon 208 of the GATA4 protein (p.Phe208Ser). The phenylalanine residue is moderately conserved and there is a large physicochemical difference between phenylalanine and serine. Algorithms developed to predict the effect of missense changes on protein structure and function (SIFT, PolyPhen-2, Align-GVGD) all suggest that this variant is likely to be tolerated, but these predictions have not been confirmed by published functional studies and their clinical significance is uncertain. In summary, the available evidence is currently insufficient to determine the role of this variant in disease. Therefore, it has been classified as a Variant of Uncertain Significance.

GeneDx
Classification: Uncertain significance. Last evaluated: 2020-01-10. Review status: criteria provided, single submitter. Criteria: GeneDx Variant Classification Process June 2021. Collection method: clinical testing. Allele origin: germline. Affected: yes.
Comment: Has not been previously published as pathogenic or benign to our knowledge; Not observed at a significant frequency in large population cohorts (Lek et al., 2016); In silico analysis, which includes protein predictors and evolutionary conservation, supports a deleterious effect

NM_001308093.3(GATA4):c.626T>C (p.Phe209Ser)

Gene: GATA4 (GATA binding protein 4). Cytogenetic location: 8p23.1.
Variant type: single nucleotide variant.
Coding change: c.626T>C on transcript NM_001308093.3 (MANE Select); coding-DNA position 626, T replaced by C.
Protein change: p.Phe209Ser; replaces phenylalanine 209 with serine.
Molecular consequence: missense variant.
Genome position (GRCh38, 1-based): chr8:11,748,925, T>C. VCF-style: chr8-11748925-T-C. GRCh37 (hg19) VCF-style: chr8-11606434-T-C.
Other names: c.5T>C, p.Phe2Ser (NM_001308094.2, NM_001374273.1, NM_001374274.1); c.623T>C, p.Phe208Ser (NM_002052.5); short protein forms F208S, F209S, F2S.
Identifiers: ClinVar variation 1311822 (VCV001311822.9), dbSNP rs1255379844, ClinGen allele CA370312534.